The following is an entry in ClinVar:

NM_032808.7(LINGO1):c.939G>T (p.Leu313=)

Gene: LINGO1 (leucine rich repeat and Ig domain containing 1; minus strand). Cytogenetic location: 15q24.3.
Variant type: single nucleotide variant.
Coding change: c.939G>T on transcript NM_032808.7 (MANE Select); coding-DNA position 939, G replaced by T.
Protein change: p.Leu313=; no amino-acid change (leucine 313 retained).
Molecular consequence: synonymous variant.
Genome position (GRCh38, 1-based): chr15:77,614,968, C>A on the plus strand (G>T on the coding strand, the complement: LINGO1 is on the minus strand). VCF-style: chr15-77614968-C-A. GRCh37 (hg19) VCF-style: chr15-77907310-C-A.
Other names: c.921G>T, p.Leu307= (NM_001301186.2, NM_001301187.2, NM_001301189.2 and 8 more transcripts).
Identifiers: ClinVar variation 3038997 (VCV003038997.2), dbSNP rs776220853, ClinGen allele CA7677889.
Genomic context (GRCh38, chr15:77,614,968, plus strand): 5'-GCCGCGGAAGGCATAGGGCTCCACCACGGCCAGCTGCCCGCCCACCAGCTGGATCTCCTG[C>A]AGCCGGAGCAGCTCATGCAACATGGAGCCCTCAATGGTGCTGATGGGGTTGTAGGAGAGG-3'
Protein context (NP_116197.4, residues 303-323): EGSMLHELLR[Leu313=]QEIQLVGGQL

ClinVar aggregate classification (germline): Likely benign (0 of 4 stars; one submission).

Conditions:
LINGO1-related disorder. Also called: LINGO1-related condition.

Allele frequency attached by ClinVar (database versions not stated): ExAC 0.00001; gnomAD 0.00001; gnomAD exomes 0.00006.
gnomAD v4.1: 94 of 1,613,830 alleles (0.0058%); highest among the groups gnomAD compares: Non-Finnish European, 0.0077%; no homozygotes.

Submission:

PreventionGenetics, part of Exact Sciences
Classification: Likely benign for LINGO1-related condition. Last evaluated: 2019-05-28. Review status: no assertion criteria provided. Collection method: clinical testing. Allele origin: germline.
Comment: This variant is classified as likely benign based on ACMG/AMP sequence variant interpretation guidelines (Richards et al. 2015 PMID: 25741868, with internal and published modifications).